The following is an entry in ClinVar:

ClinVar aggregate classification (germline): Uncertain significance (1 of 4 stars; one submission).

Submission:

Mayo Clinic Laboratories, Mayo Clinic
Classification: Uncertain significance. Last evaluated: 2024-06-04. Review status: criteria provided, single submitter. Criteria: ACMG Guidelines, 2015. Collection method: clinical testing. Allele origin: germline. Observed: 1 variant allele.
Comment: PP3, PM2

NM_001127222.2(CACNA1A):c.6780+5G>A

Genes: CACNA1A (calcium voltage-gated channel subunit alpha1 A; minus strand), LOC130063717 (ATAC-STARR-seq lymphoblastoid silent region 10203; plus strand). Cytogenetic location: 19p13.13.
Variant type: single nucleotide variant.
Coding change: c.6780+5G>A on transcript NM_001127222.2 (MANE Select); 5 bases into the intron after coding-DNA position 6780, G replaced by A.
Molecular consequence: intron variant.
Genome position (GRCh38, 1-based): chr19:13,208,751, C>T on the plus strand (G>A on the coding strand, the complement: CACNA1A is on the minus strand). VCF-style: chr19-13208751-C-T. GRCh37 (hg19) VCF-style: chr19-13319565-C-T.
Other names: c.6783+5G>A (NM_001127221.2); c.6789+5G>A (NM_001174080.2); c.6798+5G>A (NM_000068.4, NM_023035.3).
Identifiers: ClinVar variation 3380587 (VCV003380587.1).